The following is an entry in ClinVar:

NM_000465.4(BARD1):c.1235C>A (p.Ser412Ter)

Gene: BARD1 (BRCA1 associated RING domain 1; minus strand). Cytogenetic location: 2q35.
Variant type: single nucleotide variant.
Coding change: c.1235C>A on transcript NM_000465.4 (MANE Select); coding-DNA position 1235, C replaced by A.
Protein change: p.Ser412Ter; replaces serine 412 with a stop codon.
Molecular consequence: nonsense. On other transcripts: non-coding transcript variant (2), intron variant (3).
Genome position (GRCh38, 1-based): chr2:214,780,639, G>T on the plus strand (C>A on the coding strand, the complement: BARD1 is on the minus strand). VCF-style: chr2-214780639-G-T. GRCh37 (hg19) VCF-style: chr2-215645363-G-T.
Other names: c.1178C>A, p.Ser393Ter (NM_001282543.2); c.159-28084C>A (NM_001282548.2); c.215+16422C>A (NM_001282545.2); c.364+11658C>A (NM_001282549.2); short protein forms S393*, S412*.
Identifiers: ClinVar variation 5032772 (VCV005032772.1).

ClinVar aggregate classification (germline): Pathogenic (1 of 4 stars; one submission).

Conditions:
Hereditary cancer-predisposing syndrome. Also called: Neoplastic Syndromes, Hereditary; Tumor predisposition; Hereditary neoplastic syndrome; Hereditary Cancer Syndrome. Identifiers: Orphanet 140162, MedGen C0027672, MeSH D009386, MONDO:0015356.

Submission:

Ambry Genetics
Classification: Pathogenic for Hereditary cancer-predisposing syndrome. Last evaluated: 2026-06-16. Review status: criteria provided, single submitter. Criteria: Ambry Variant Classification Scheme 2023. Collection method: clinical testing. Allele origin: germline.
Comment: The p.S412* pathogenic mutation (also known as c.1235C>A), located in coding exon 4 of the BARD1 gene, results from a C to A substitution at nucleotide position 1235. This changes the amino acid from a serine to a stop codon within coding exon 4. This variant is considered to be rare based on population cohorts in the Genome Aggregation Database (gnomAD). This alteration is expected to result in loss of function by premature protein truncation or nonsense-mediated mRNA decay. As such, this alteration is interpreted as a disease-causing mutation.